The following is an entry in ClinVar:

ClinVar aggregate classification (germline): Uncertain significance (1 of 4 stars; one submission).

Conditions:
Hereditary cancer-predisposing syndrome. Also called: Tumor predisposition; Hereditary neoplastic syndrome; Hereditary Cancer Syndrome; Neoplastic Syndromes, Hereditary. Identifiers: Orphanet 140162, MedGen C0027672, MeSH D009386, MONDO:0015356.

Submission:

Ambry Genetics
Classification: Uncertain significance for Hereditary cancer-predisposing syndrome. Last evaluated: 2025-05-19. Review status: criteria provided, single submitter. Criteria: Ambry Variant Classification Scheme 2023. Collection method: clinical testing. Allele origin: germline.
Comment: The p.Q1285L variant (also known as c.3854A>T), located in coding exon 31 of the POLE gene, results from an A to T substitution at nucleotide position 3854. The glutamine at codon 1285 is replaced by leucine, an amino acid with dissimilar properties. This amino acid position is conserved. In addition, the in silico prediction for this alteration is inconclusive. Based on the available evidence, the clinical significance of this variant remains unclear.

NM_006231.4(POLE):c.3854A>T (p.Gln1285Leu)

Gene: POLE (DNA polymerase epsilon, catalytic subunit; minus strand). Cytogenetic location: 12q24.33.
Variant type: single nucleotide variant.
Coding change: c.3854A>T on transcript NM_006231.4 (MANE Select); coding-DNA position 3854, A replaced by T.
Protein change: p.Gln1285Leu; replaces glutamine 1285 with leucine.
Molecular consequence: missense variant.
Genome position (GRCh38, 1-based): chr12:132,649,457, T>A on the plus strand (A>T on the coding strand, the complement: POLE is on the minus strand). VCF-style: chr12-132649457-T-A. GRCh37 (hg19) VCF-style: chr12-133226043-T-A.
Other names: short protein forms Q1285L.
Identifiers: ClinVar variation 3935771 (VCV003935771.1).
Genomic context (GRCh38, chr12:132,649,457, plus strand): 5'-CCGGGCCTGAGCACACCCTCTGCCGACTCCAGACGCTGCCTCTTCCTGCGGGCGAGGCGC[T>A]GCCGGGCCTGCAGCTGCCACTTCTTCTTGTGGAACCGGAGCCAGACAAGCCATTCCTCCT-3'
Protein context (NP_006222.2, residues 1275-1295): HKKKWQLQAR[Gln1285Leu]RLARRKRQRL